The following is an entry in ClinVar:

ClinVar aggregate classification (germline): Uncertain significance (1 of 4 stars; one submission).

Conditions:
Pheochromocytoma. Also called: MAX-Related Hereditary Paraganglioma-Pheochromocytoma Syndrome. Identifiers: Orphanet 29072, MedGen C0031511, MONDO:0008233, OMIM 171300, HP:0002666.
Cowden syndrome 3 (CWS3). Identifiers: Orphanet 201, MedGen CN166604, MONDO:0014045.
Paragangliomas with sensorineural hearing loss. Identifiers: MedGen C1868633.
Carney-Stratakis syndrome. Also called: PARAGANGLIOMA AND GASTROINTESTINAL STROMAL TUMOR. Identifiers: Orphanet 97286, MedGen C1847319, MONDO:0011740, OMIM 606864.

Allele frequency attached by ClinVar (database versions not stated): gnomAD exomes below 0.00001; ExAC 0.00001.
gnomAD v4.1: 3 of 1,613,902 alleles (0.00019%); highest among the groups gnomAD compares: Middle Eastern, 0.016%; no homozygotes.

Submission:

Labcorp Genetics (formerly Invitae), Labcorp
Classification: Uncertain significance for Carney-Stratakis syndrome; Paragangliomas with sensorineural hearing loss; Pheochromocytoma; Cowden syndrome 3. Last evaluated: 2025-11-17. Review status: criteria provided, single submitter. Criteria: Invitae Variant Classification Sherloc (09022015). Collection method: clinical testing. Allele origin: germline.
Comment: This sequence change replaces proline, which is neutral and non-polar, with serine, which is neutral and polar, at codon 41 of the SDHD protein (p.Pro41Ser). This variant is present in population databases (rs764006625, gnomAD 0.003%). This variant has not been reported in the literature in individuals affected with SDHD-related conditions. ClinVar contains an entry for this variant (Variation ID: 951463). Invitae Evidence Modeling of protein sequence and biophysical properties (such as structural, functional, and spatial information, amino acid conservation, physicochemical variation, residue mobility, and thermodynamic stability) indicates that this missense variant is not expected to disrupt SDHD protein function with a negative predictive value of 80%. In summary, the available evidence is currently insufficient to determine the role of this variant in disease. Therefore, it has been classified as a Variant of Uncertain Significance.

NM_003002.4(SDHD):c.121C>T (p.Pro41Ser)

Gene: SDHD (succinate dehydrogenase complex subunit D; plus strand). Cytogenetic location: 11q23.1.
Variant type: single nucleotide variant.
Coding change: c.121C>T on transcript NM_003002.4 (MANE Select); coding-DNA position 121, C replaced by T.
Protein change: p.Pro41Ser; replaces proline 41 with serine.
Molecular consequence: missense variant. On other transcripts: non-coding transcript variant (1), intron variant (1).
Genome position (GRCh38, 1-based): chr11:112,087,925, C>T. VCF-style: chr11-112087925-C-T. GRCh37 (hg19) VCF-style: chr11-111958649-C-T.
Other names: c.121C>T, p.Pro41Ser (NM_001276503.2, NM_001276506.2); c.53-942C>T (NM_001276504.2); short protein forms P41S.
Identifiers: ClinVar variation 951463 (VCV000951463.11), dbSNP rs764006625, ClinGen allele CA070618.
Genomic context (GRCh38, chr11:112,087,925, plus strand): 5'-CTTCGAACTCCAGTGGTCAGACCTGCTCATATCTCAGCATTTCTTCAGGACCGACCTATC[C>T]CAGAATGGTGTGGAGTGCAGCACATACACTTGTCACCGAGCCACCATTGTATGTTCTCTC-3'
Protein context (NP_002993.1, residues 31-51): ISAFLQDRPI[Pro41Ser]EWCGVQHIHL